The following is an entry in ClinVar:

NM_001142800.2(EYS):c.3444A>T (p.Arg1148Ser)

Gene: EYS (EGF-like photoreceptor maintenance factor; minus strand). Cytogenetic location: 6q12.
Variant type: single nucleotide variant.
Coding change: c.3444A>T on transcript NM_001142800.2 (MANE Select); coding-DNA position 3444, A replaced by T.
Protein change: p.Arg1148Ser; replaces arginine 1148 with serine.
Molecular consequence: missense variant.
Genome position (GRCh38, 1-based): chr6:64,626,245, T>A on the plus strand (A>T on the coding strand, the complement: EYS is on the minus strand). VCF-style: chr6-64626245-T-A. GRCh37 (hg19) VCF-style: chr6-65336138-T-A.
Other names: c.3444A>T, p.Arg1148Ser (NM_001292009.2); short protein forms R1148S.
Identifiers: ClinVar variation 1018681 (VCV001018681.8), dbSNP rs1377722024, ClinGen allele CA364785538.

ClinVar aggregate classification (germline): Uncertain significance. Review status: criteria provided, multiple submitters, no conflicts (2 of 4 stars). 3 submissions from 3 submitters: Uncertain significance (2). 1 of the submissions does not count toward it. Last evaluated 2021-08-27.

Conditions:
Retinitis pigmentosa 25 (RP25). Identifiers: Orphanet 791, MedGen C1864446, MONDO:0011272, OMIM 602772.

Allele frequency attached by ClinVar (database versions not stated): gnomAD exomes below 0.00001; TOPMed below 0.00001.

Submissions (3):

Labcorp Genetics (formerly Invitae), Labcorp
Classification: Uncertain significance. Last evaluated: 2021-08-27. Review status: criteria provided, single submitter. Criteria: Invitae Variant Classification Sherloc (09022015). Collection method: clinical testing. Allele origin: germline.
Comment: This sequence change replaces arginine with serine at codon 1148 of the EYS protein (p.Arg1148Ser). The arginine residue is highly conserved and there is a moderate physicochemical difference between arginine and serine. This variant is not present in population databases (ExAC no frequency). This variant has not been reported in the literature in individuals affected with EYS-related conditions. Algorithms developed to predict the effect of missense changes on protein structure and function output the following: SIFT: "Tolerated"; PolyPhen-2: "Benign"; Align-GVGD: "Class C15". The serine amino acid residue is found in multiple mammalian species, which suggests that this missense change does not adversely affect protein function. Algorithms developed to predict the effect of sequence changes on RNA splicing suggest that this variant may disrupt the consensus splice site. In summary, the available evidence is currently insufficient to determine the role of this variant in disease. Therefore, it has been classified as a Variant of Uncertain Significance.

Blueprint Genetics
Classification: Uncertain significance. Last evaluated: 2020-04-24. Review status: criteria provided, single submitter. Criteria: ACMG Guidelines, 2015. Collection method: clinical testing. Allele origin: germline.

Natera, Inc.
Classification: Uncertain significance for Retinitis pigmentosa type 25. Last evaluated: 2020-08-31. Review status: no assertion criteria provided. Collection method: clinical testing. Allele origin: germline. Not counted in ClinVar's aggregate classification.